The following is an entry in ClinVar:

NM_014874.4(MFN2):c.1894C>T (p.Arg632Trp)

Gene: MFN2 (mitofusin 2; plus strand). Cytogenetic location: 1p36.22.
Variant type: single nucleotide variant.
Coding change: c.1894C>T on transcript NM_014874.4 (MANE Select); coding-DNA position 1894, C replaced by T.
Protein change: p.Arg632Trp; replaces arginine 632 with tryptophan.
Molecular consequence: missense variant.
Genome position (GRCh38, 1-based): chr1:12,007,074, C>T. VCF-style: chr1-12007074-C-T. GRCh37 (hg19) VCF-style: chr1-12067131-C-T.
Other names: c.1894C>T, p.Arg632Trp (NM_001127660.2); short protein forms R632W.
Identifiers: ClinVar variation 245912 (VCV000245912.10), dbSNP rs772701127, ClinGen allele CA599268.

ClinVar aggregate classification (germline): Conflicting classifications of pathogenicity. Review status: criteria provided, conflicting classifications (1 of 4 stars). 3 submissions from 3 submitters: Likely pathogenic (2); Uncertain significance (1). Last evaluated 2025-06-15.

Conditions:
MFN2-related disorder. Also called: MFN2-related disorders; MFN2-related condition.
Charcot-Marie-Tooth disease type 2. Also called: Charcot-Marie-Tooth type 2. Identifiers: Orphanet 64746, MedGen C0270914, MONDO:0018993.

Allele frequency attached by ClinVar (database versions not stated): gnomAD exomes below 0.00001 and 0.00001; ExAC 0.00001.
gnomAD v4.1: 13 of 1,613,786 alleles (0.00081%); highest among the groups gnomAD compares: South Asian, 0.0022%; no homozygotes.

Submissions (3):

Labcorp Genetics (formerly Invitae), Labcorp
Classification: Likely pathogenic for Charcot-Marie-Tooth disease type 2. Last evaluated: 2025-06-15. Review status: criteria provided, single submitter. Criteria: Invitae Variant Classification Sherloc (09022015). Collection method: clinical testing. Allele origin: germline.
Comment: This sequence change replaces arginine, which is basic and polar, with tryptophan, which is neutral and slightly polar, at codon 632 of the MFN2 protein (p.Arg632Trp). This variant is present in population databases (rs772701127, gnomAD 0.0009%). This missense change has been observed in individual(s) with clinical features of Charcot-Marie-Tooth disease (PMID: 29215088; internal data). In at least one individual the data is consistent with being in trans (on the opposite chromosome) from a pathogenic variant. It has also been observed to segregate with disease in related individuals. ClinVar contains an entry for this variant (Variation ID: 245912). Invitae Evidence Modeling of protein sequence and biophysical properties (such as structural, functional, and spatial information, amino acid conservation, physicochemical variation, residue mobility, and thermodynamic stability) has been performed for this missense variant. However, the output from this modeling did not meet the statistical confidence thresholds required to predict the impact of this variant on MFN2 protein function. In summary, the currently available evidence indicates that the variant is pathogenic, but additional data are needed to prove that conclusively. Therefore, this variant has been classified as Likely Pathogenic.

GeneDx
Classification: Uncertain significance. Last evaluated: 2024-02-07. Review status: criteria provided, single submitter. Criteria: GeneDx Variant Classification Process June 2021. Collection method: clinical testing. Allele origin: germline. Affected: yes.
Comment: Not observed at a significant frequency in large population cohorts (gnomAD); In silico analysis supports that this missense variant has a deleterious effect on protein structure/function; This variant is associated with the following publications: (PMID: 29215088, 38170145, 37508383)

Blueprint Genetics
Classification: Likely pathogenic for MFN2-related disorders. Last evaluated: 2021-11-10. Review status: criteria provided, single submitter. Criteria: ACMG Guidelines, 2015. Collection method: clinical testing. Allele origin: germline. Affected: yes. Observed: 3 variant alleles.

Literature cited by the submitters: PubMed 29215088 (cited by Labcorp Genetics (formerly Invitae), Labcorp).